The following is an entry in ClinVar:

NM_201384.3(PLEC):c.7664C>T (p.Ala2555Val)

Gene: PLEC (plectin; minus strand). Cytogenetic location: 8q24.3.
Variant type: single nucleotide variant.
Coding change: c.7664C>T on transcript NM_201384.3 (MANE Select); coding-DNA position 7664, C replaced by T.
Protein change: p.Ala2555Val; replaces alanine 2555 with valine.
Molecular consequence: missense variant.
Genome position (GRCh38, 1-based): chr8:143,922,157, G>A on the plus strand (C>T on the coding strand, the complement: PLEC is on the minus strand). VCF-style: chr8-143922157-G-A. GRCh37 (hg19) VCF-style: chr8-144996325-G-A.
Other names: c.7745C>T, p.Ala2582Val (NM_000445.5); c.7622C>T, p.Ala2541Val (NM_201378.4); c.7598C>T, p.Ala2533Val (NM_201379.3); c.8075C>T, p.Ala2692Val (NM_201380.4); c.7568C>T, p.Ala2523Val (NM_201381.3); c.7664C>T, p.Ala2555Val (NM_201382.4); c.7676C>T, p.Ala2559Val (NM_201383.3); c.7745C>T (NM_000445.3); short protein forms A2582V, A2692V, A2555V, A2559V, A2533V, A2541V, A2523V.
Identifiers: ClinVar variation 955633 (VCV000955633.8), dbSNP rs1193397559, ClinGen allele CA372523243.

ClinVar aggregate classification (germline): Uncertain significance. Review status: criteria provided, multiple submitters, no conflicts (2 of 4 stars). 2 submissions from 2 submitters: Uncertain significance (2). Last evaluated 2025-08-21.

Conditions:
Inborn genetic diseases. Identifiers: MedGen C0950123, MeSH D030342.
Epidermolysis bullosa simplex 5C, with pyloric atresia (EBS5C). Also called: PLEC-Related Epidermolysis Bullosa with Pyloric Atresia; Epidermolysis bullosa simplex with pyloric atresia; PLEC1-Related Epidermolysis Bullosa with Pyloric Atresia. Identifiers: Orphanet 158684, MedGen C2677349, MONDO:0012807, OMIM 612138.
Epidermolysis bullosa simplex 5B, with muscular dystrophy (EBS5B). Also called: Epidermolysis bullosa simplex with muscular dystrophy; EPIDERMOLYSIS BULLOSA SIMPLEX AND LIMB-GIRDLE MUSCULAR DYSTROPHY. Identifiers: Orphanet 257, MedGen C2931072, MONDO:0009181, OMIM 226670.
Epidermolysis bullosa simplex, Ogna type (EBS5A). Also called: Pidermolysis bullosa simplex 5A, Ogna type; EPIDERMOLYSIS BULLOSA SIMPLEX 5A, OGNA TYPE. Identifiers: Orphanet 79401, MedGen C0432317, MONDO:0007555, OMIM 131950.
Autosomal recessive limb-girdle muscular dystrophy type 2Q (LGMDR17). Also called: MUSCULAR DYSTROPHY, LIMB-GIRDLE, AUTOSOMAL RECESSIVE 17. Identifiers: Orphanet 254361, MedGen C3150989, MONDO:0013390, OMIM 613723.
Epidermolysis bullosa simplex with nail dystrophy (EBS5D). Identifiers: MedGen C4225309, MONDO:0014661, OMIM 616487.

Allele frequency attached by ClinVar (database versions not stated): gnomAD 0.00001; gnomAD exomes 0.00001; TOPMed 0.00001.
gnomAD v4.1: 17 of 1,540,358 alleles (0.0011%); highest among the groups gnomAD compares: Admixed American, 0.0039%; no homozygotes.

Submissions (2):

Labcorp Genetics (formerly Invitae), Labcorp
Classification: Uncertain significance for Autosomal recessive limb-girdle muscular dystrophy type 2Q; Epidermolysis bullosa simplex, Ogna type; Epidermolysis bullosa simplex with nail dystrophy; Epidermolysis bullosa simplex 5C, with pyloric atresia; Epidermolysis bullosa simplex 5B, with muscular dystrophy. Last evaluated: 2025-08-21. Review status: criteria provided, single submitter. Criteria: Invitae Variant Classification Sherloc (09022015). Collection method: clinical testing. Allele origin: germline.
Comment: This sequence change replaces alanine, which is neutral and non-polar, with valine, which is neutral and non-polar, at codon 2582 of the PLEC protein (p.Ala2582Val). This variant is not present in population databases (gnomAD no frequency). This variant has not been reported in the literature in individuals affected with PLEC-related conditions. ClinVar contains an entry for this variant (Variation ID: 955633). Invitae Evidence Modeling of protein sequence and biophysical properties (such as structural, functional, and spatial information, amino acid conservation, physicochemical variation, residue mobility, and thermodynamic stability) has been performed for this missense variant. However, the output from this modeling did not meet the statistical confidence thresholds required to predict the impact of this variant on PLEC protein function. In summary, the available evidence is currently insufficient to determine the role of this variant in disease. Therefore, it has been classified as a Variant of Uncertain Significance.

Ambry Genetics
Classification: Uncertain significance for Inborn genetic diseases. Last evaluated: 2025-08-01. Review status: criteria provided, single submitter. Criteria: Ambry Variant Classification Scheme 2023. Collection method: clinical testing. Allele origin: germline.